The following is an entry in ClinVar:

NM_001278512.2(AP3B2):c.2921C>T (p.Thr974Ile)

Genes: CPEB1-AS1 (CPEB1 antisense RNA 1; plus strand), AP3B2 (adaptor related protein complex 3 subunit beta 2; minus strand). Cytogenetic location: 15q25.2.
Variant type: single nucleotide variant.
Coding change: c.2921C>T on transcript NM_001278512.2 (MANE Select); coding-DNA position 2921, C replaced by T.
Protein change: p.Thr974Ile; replaces threonine 974 with isoleucine.
Molecular consequence: missense variant.
Genome position (GRCh38, 1-based): chr15:82,661,920, G>A on the plus strand (C>T on the coding strand, the complement: AP3B2 is on the minus strand). VCF-style: chr15-82661920-G-A. GRCh37 (hg19) VCF-style: chr15-83330672-G-A.
Other names: c.2768C>T, p.Thr923Ile (NM_001278511.2); c.53C>T, p.Thr18Ile (NM_001348441.2); c.2864C>T, p.Thr955Ile (NM_004644.5); short protein forms T18I, T923I, T955I, T974I.
Identifiers: ClinVar variation 1715321 (VCV001715321.3), dbSNP rs2047958303, ClinGen allele CA393306884.

ClinVar aggregate classification (germline): Uncertain significance (1 of 4 stars; one submission).

Allele frequency attached by ClinVar (database versions not stated): gnomAD exomes below 0.00001; TOPMed below 0.00001.
gnomAD v4.1: 2 of 1,613,616 alleles (0.00012%); highest among the groups gnomAD compares: Non-Finnish European, 0.00017%; no homozygotes.

Submission:

Labcorp Genetics (formerly Invitae), Labcorp
Classification: Uncertain significance. Last evaluated: 2022-08-21. Review status: criteria provided, single submitter. Criteria: Invitae Variant Classification Sherloc (09022015). Collection method: clinical testing. Allele origin: germline.
Comment: This sequence change replaces threonine, which is neutral and polar, with isoleucine, which is neutral and non-polar, at codon 955 of the AP3B2 protein (p.Thr955Ile). This variant is not present in population databases (gnomAD no frequency). This variant has not been reported in the literature in individuals affected with AP3B2-related conditions. Algorithms developed to predict the effect of missense changes on protein structure and function are either unavailable or do not agree on the potential impact of this missense change (SIFT: "Deleterious"; PolyPhen-2: "Possibly Damaging"; Align-GVGD: "Class C0"). In summary, the available evidence is currently insufficient to determine the role of this variant in disease. Therefore, it has been classified as a Variant of Uncertain Significance.